The following is an entry in ClinVar:

NM_016222.4(DDX41):c.1010T>A (p.Ile337Asn)

Gene: DDX41 (DEAD-box helicase 41; minus strand). Cytogenetic location: 5q35.3.
Variant type: single nucleotide variant.
Coding change: c.1010T>A on transcript NM_016222.4 (MANE Select); coding-DNA position 1010, T replaced by A.
Protein change: p.Ile337Asn; replaces isoleucine 337 with asparagine.
Molecular consequence: missense variant.
Genome position (GRCh38, 1-based): chr5:177,513,773, A>T on the plus strand (T>A on the coding strand, the complement: DDX41 is on the minus strand). VCF-style: chr5-177513773-A-T. GRCh37 (hg19) VCF-style: chr5-176940774-A-T.
Other names: c.632T>A, p.Ile211Asn (NM_001321732.2, NM_001321830.2); c.1010T>A (NM_016222.2); short protein forms I211N, I337N.
Identifiers: ClinVar variation 3689541 (VCV003689541.3).
Genomic context (GRCh38, chr5:177,513,773, plus strand): 5'-TCACCCTCGAAGCCCATGTCGATCATGCGGTCAGCCTCGTCCAGGGCCAGGTAGCGACAG[A>T]TGTCTAGGCTGACCATCTTCTTCTGCAGCAAATCCATGAGGCGCCCCGGGGTGGCCACCA-3'
Protein context (NP_057306.2, residues 327-347): LLQKKMVSLD[Ile337Asn]CRYLALDEAD

ClinVar aggregate classification (germline): Uncertain significance. Review status: criteria provided, multiple submitters, no conflicts (2 of 4 stars). 2 submissions from 2 submitters: Uncertain significance (2). Last evaluated 2024-12-14.

Conditions:
Inborn genetic diseases. Identifiers: MedGen C0950123, MeSH D030342.

Submissions (2):

Ambry Genetics
Classification: Uncertain significance for Inborn genetic diseases. Last evaluated: 2024-12-14. Review status: criteria provided, single submitter. Criteria: Ambry Variant Classification Scheme 2023. Collection method: clinical testing. Allele origin: germline.
Comment: The p.I337N variant (also known as c.1010T>A), located in coding exon 10 of the DDX41 gene, results from a T to A substitution at nucleotide position 1010. The isoleucine at codon 337 is replaced by asparagine, an amino acid with dissimilar properties. This amino acid position is conserved. In addition, this alteration is predicted to be tolerated by in silico analysis. Based on the available evidence, the clinical significance of this variant remains unclear.

Labcorp Genetics (formerly Invitae), Labcorp
Classification: Uncertain significance. Last evaluated: 2024-09-15. Review status: criteria provided, single submitter. Criteria: Invitae Variant Classification Sherloc (09022015). Collection method: clinical testing. Allele origin: germline.
Comment: This sequence change replaces isoleucine, which is neutral and non-polar, with asparagine, which is neutral and polar, at codon 337 of the DDX41 protein (p.Ile337Asn). This variant is not present in population databases (gnomAD no frequency). This variant has not been reported in the literature in individuals affected with DDX41-related conditions. An algorithm developed to predict the effect of missense changes on protein structure and function (PolyPhen-2) suggests that this variant is likely to be disruptive. In summary, the available evidence is currently insufficient to determine the role of this variant in disease. Therefore, it has been classified as a Variant of Uncertain Significance.